The following is an entry in ClinVar:

NM_004360.5(CDH1):c.361C>A (p.His121Asn)

Gene: CDH1 (cadherin 1; plus strand). Cytogenetic location: 16q22.1.
Variant type: single nucleotide variant.
Coding change: c.361C>A on transcript NM_004360.5 (MANE Select); coding-DNA position 361, C replaced by A.
Protein change: p.His121Asn; replaces histidine 121 with asparagine.
Molecular consequence: missense variant. On other transcripts: 5 prime UTR variant (2).
Genome position (GRCh38, 1-based): chr16:68,801,867, C>A. VCF-style: chr16-68801867-C-A. GRCh37 (hg19) VCF-style: chr16-68835770-C-A.
Other names: c.361C>A, p.His121Asn (NM_001317184.2); c.-1255C>A (NM_001317185.2); c.-1459C>A (NM_001317186.2); short protein forms H121N.
Identifiers: ClinVar variation 940670 (VCV000940670.14), dbSNP rs1305026083, ClinGen allele CA396457460.

ClinVar aggregate classification (germline): Conflicting classifications of pathogenicity. Review status: criteria provided, conflicting classifications (1 of 4 stars). 3 submissions from 3 submitters: Uncertain significance (2); Likely benign (1). Last evaluated 2024-09-10.

Conditions:
Hereditary diffuse gastric adenocarcinoma (HDGC). Also called: DIFFUSE GASTRIC AND LOBULAR BREAST CANCER SYNDROME. Identifiers: Orphanet 26106, MedGen C1708349, MONDO:0007648, OMIM 137215.
Hereditary cancer-predisposing syndrome. Also called: Tumor predisposition; Hereditary neoplastic syndrome; Neoplastic Syndromes, Hereditary; Hereditary Cancer Syndrome. Identifiers: Orphanet 140162, MedGen C0027672, MeSH D009386, MONDO:0015356.

Allele frequency attached by ClinVar (database versions not stated): gnomAD exomes below 0.00001.
gnomAD v4.1: 2 of 1,614,070 alleles (0.00012%); highest among the groups gnomAD compares: Non-Finnish European, 0.00017%; no homozygotes.

Submissions (3):

Ambry Genetics
Classification: Likely benign for Hereditary cancer-predisposing syndrome. Last evaluated: 2024-09-10. Review status: criteria provided, single submitter. Criteria: Ambry Variant Classification Scheme 2023. Collection method: clinical testing. Allele origin: germline.

Color Diagnostics, LLC DBA Color Health
Classification: Uncertain significance for Hereditary cancer-predisposing syndrome. Last evaluated: 2024-02-12. Review status: criteria provided, single submitter. Criteria: ACMG Guidelines, 2015. Collection method: clinical testing. Allele origin: germline.
Comment: This missense variant replaces histidine with asparagine at codon 121 of the CDH1 protein. To our knowledge, functional studies have not been reported for this variant. This variant has not been reported in individuals affected with CDH1-related disorders in the literature. This variant has been identified in 1/250954 chromosomes in the general population by the Genome Aggregation Database (gnomAD). The available evidence is insufficient to determine the role of this variant in disease conclusively. Therefore, this variant is classified as a Variant of Uncertain Significance.

Labcorp Genetics (formerly Invitae), Labcorp
Classification: Uncertain significance for Hereditary diffuse gastric adenocarcinoma. Last evaluated: 2019-06-06. Review status: criteria provided, single submitter. Criteria: Invitae Variant Classification Sherloc (09022015). Collection method: clinical testing. Allele origin: germline.
Comment: This sequence change replaces histidine with asparagine at codon 121 of the CDH1 protein (p.His121Asn). The histidine residue is moderately conserved and there is a small physicochemical difference between histidine and asparagine. This variant is not present in population databases (ExAC no frequency). This variant has not been reported in the literature in individuals with CDH1-related conditions. Algorithms developed to predict the effect of missense changes on protein structure and function (SIFT, PolyPhen-2, Align-GVGD) all suggest that this variant is likely to be tolerated, but these predictions have not been confirmed by published functional studies and their clinical significance is uncertain. In summary, the available evidence is currently insufficient to determine the role of this variant in disease. Therefore, it has been classified as a Variant of Uncertain Significance.